The following is an entry in ClinVar:

ClinVar aggregate classification (germline): Uncertain significance. Review status: criteria provided, multiple submitters, no conflicts (2 of 4 stars). 2 submissions from 2 submitters: Uncertain significance (2). Last evaluated 2025-12-19.

Conditions:
Inborn genetic diseases. Identifiers: MedGen C0950123, MeSH D030342.

Allele frequency attached by ClinVar (database versions not stated): gnomAD exomes 0.00002 and 0.00006; TOPMed 0.00003; gnomAD 0.00005; ESP Exome Variant Server 0.00008.
gnomAD v4.1: 93 of 1,614,112 alleles (0.0058%); highest among the groups gnomAD compares: Non-Finnish European, 0.0077%; no homozygotes.

Submissions (2):

Labcorp Genetics (formerly Invitae), Labcorp
Classification: Uncertain significance. Last evaluated: 2025-12-19. Review status: criteria provided, single submitter. Criteria: Invitae Variant Classification Sherloc (09022015). Collection method: clinical testing. Allele origin: germline.
Comment: This sequence change replaces leucine, which is neutral and non-polar, with arginine, which is basic and polar, at codon 86 of the TUBGCP4 protein (p.Leu86Arg). This variant is present in population databases (rs370202637, gnomAD 0.006%). This variant has not been reported in the literature in individuals affected with TUBGCP4-related conditions. ClinVar contains an entry for this variant (Variation ID: 1359246). Invitae Evidence Modeling of protein sequence and biophysical properties (such as structural, functional, and spatial information, amino acid conservation, physicochemical variation, residue mobility, and thermodynamic stability) indicates that this missense variant is not expected to disrupt TUBGCP4 protein function with a negative predictive value of 80%. In summary, the available evidence is currently insufficient to determine the role of this variant in disease. Therefore, it has been classified as a Variant of Uncertain Significance.

Ambry Genetics
Classification: Uncertain significance for Inborn genetic diseases. Last evaluated: 2023-12-06. Review status: criteria provided, single submitter. Criteria: Ambry Variant Classification Scheme 2023. Collection method: clinical testing. Allele origin: germline.

NM_014444.5(TUBGCP4):c.257T>G (p.Leu86Arg)

Gene: TUBGCP4 (tubulin gamma complex component 4; plus strand). Cytogenetic location: 15q15.3.
Variant type: single nucleotide variant.
Coding change: c.257T>G on transcript NM_014444.5 (MANE Select); coding-DNA position 257, T replaced by G.
Protein change: p.Leu86Arg; replaces leucine 86 with arginine.
Molecular consequence: missense variant.
Genome position (GRCh38, 1-based): chr15:43,376,552, T>G. VCF-style: chr15-43376552-T-G. GRCh37 (hg19) VCF-style: chr15-43668750-T-G.
Other names: c.257T>G, p.Leu86Arg (NM_001286414.3); c.257T>G (NM_014444.2); short protein forms L86R.
Identifiers: ClinVar variation 1359246 (VCV001359246.7), dbSNP rs370202637, ClinGen allele CA269984711.
Genomic context (GRCh38, chr15:43,376,552, plus strand): 5'-TTTGATTTCAGGATCACCATCCATCTCAACAGGGCCAAGGTGGGTTACATGGAATCTACC[T>G]GCGGGCCTTCTGCACAGGGCTGGATTCTGTTTTGCAGCCTTATCGCCAAGCACTGCTTGA-3'
Protein context (NP_055259.2, residues 76-96): QGQGGLHGIY[Leu86Arg]RAFCTGLDSV